The following is an entry in ClinVar:

ClinVar aggregate classification (germline): Pathogenic (1 of 4 stars; one submission).

Conditions:
Spondyloepiphyseal dysplasia with congenital joint dislocations (SEDCJD). Also called: Chondrodysplasia with Congenital Joint Dislocations, CHST3-Related. Identifiers: Orphanet 263463, MedGen C1837657, MONDO:0007738, OMIM 143095.

Submission:

Department of Medical Genetics, Sanjay Gandhi Post Graduate Institute of Medical Sciences
Classification: Pathogenic for Spondyloepiphyseal dysplasia with congenital joint dislocations. Review status: criteria provided, single submitter. Criteria: ACMG Guidelines, 2015. Collection method: clinical testing. Allele origin: inherited. Inheritance: Autosomal recessive inheritance. Affected: yes. Observed: 1 variant allele, 1 homozygote.
Comment: Variant was found to be pathogenic by MutationTaster, SIFT and PolyPhen.

Literature cited by the submitters: PubMed 27753269.

NM_004273.5(CHST3):c.904G>C (p.Asp302His)

Gene: CHST3 (carbohydrate sulfotransferase 3; plus strand). Cytogenetic location: 10q22.1.
Variant type: single nucleotide variant.
Coding change: c.904G>C on transcript NM_004273.5 (MANE Select); coding-DNA position 904, G replaced by C.
Protein change: p.Asp302His; replaces aspartic acid 302 with histidine.
Molecular consequence: missense variant.
Genome position (GRCh38, 1-based): chr10:72,007,935, G>C. VCF-style: chr10-72007935-G-C. GRCh37 (hg19) VCF-style: chr10-73767693-G-C.
Other names: CHST3; short protein forms D302H.
Identifiers: ClinVar variation 478822 (VCV000478822.2), dbSNP rs1316347883, ClinGen allele CA377147897.
Genomic context (GRCh38, chr10:72,007,935, plus strand): 5'-TTCCTGCAGCCGCTGGCCGAGGACCCCCGCCTGGACCTGCGCGTCATCCAGCTGGTGCGC[G>C]ACCCCCGGGCCGTGCTGGCCTCGCGCATGGTGGCCTTCGCCGGCAAGTATAAGACCTGGA-3'
Protein context (NP_004264.2, residues 292-312): LDLRVIQLVR[Asp302His]PRAVLASRMV